The following is an entry in ClinVar:

NM_001323289.2(CDKL5):c.1581_1584del (p.Thr528fs)

Gene: CDKL5 (cyclin dependent kinase like 5; plus strand). Cytogenetic location: Xp22.13.
Variant type: Deletion.
Coding change: c.1581_1584del on transcript NM_001323289.2 (MANE Select); coding-DNA positions 1581 to 1584, 4 bases deleted (CACC; older notation c.1581_1584delCACC).
Protein change: p.Thr528fs; shifts the reading frame from threonine 528.
Molecular consequence: frameshift variant.
Genome position (GRCh38, 1-based): chrX:18,604,505-18,604,508, CACC deleted; deleting any 4 consecutive bases within chrX:18,604,503-18,604,508 gives the same sequence; the c. name uses the placement nearest the transcript's 3' end. VCF-style (leftmost placement, unchanged base first): chrX-18604502-TCCCA-T. GRCh37 (hg19) VCF-style: chrX-18622622-TCCCA-T.
Other names: c.1581_1584del, p.Thr528fs (NM_001037343.2, NM_003159.3); short protein forms T528fs.
Identifiers: ClinVar variation 4784035 (VCV004784035.1).
Genomic context (GRCh38, chrX:18,604,502, plus strand): 5'-CCAAATTGCGGAGCCCAGTACCAGTAGGTACTTCCCATCTAGCTGCTTAGACTTGAATTC[TCCCA>T]CCAGCCCAACCCCCACCAGACACAGTGACACGAGAACTTTGCTCAGCCCTTCTGGAAGAA-3'

ClinVar aggregate classification (germline): Pathogenic (1 of 4 stars; one submission).

Conditions:
Angelman syndrome-like. Identifiers: MedGen CN128785.
Developmental and epileptic encephalopathy, 2 (DEE2). Also called: INFANTILE SPASM SYNDROME, X-LINKED 2; CDKL5 deficiency disorder. Identifiers: Orphanet 1934, Orphanet 3451, Orphanet 505652, MedGen C4750718, MONDO:0010396, OMIM 300672.

Submission:

Labcorp Genetics (formerly Invitae), Labcorp
Classification: Pathogenic for Developmental and epileptic encephalopathy, 2; Angelman syndrome-like. Last evaluated: 2025-01-30. Review status: criteria provided, single submitter. Criteria: Invitae Variant Classification Sherloc (09022015). Collection method: clinical testing. Allele origin: germline.
Comment: This sequence change creates a premature translational stop signal (p.Thr528Alafs*43) in the CDKL5 gene. It is expected to result in an absent or disrupted protein product. Loss-of-function variants in CDKL5 are known to be pathogenic (PMID: 22872100). This variant is not present in population databases (gnomAD no frequency). This variant has not been reported in the literature in individuals affected with CDKL5-related conditions. For these reasons, this variant has been classified as Pathogenic.

Literature cited by the submitters: PubMed 22872100.